The following is an entry in ClinVar:

ClinVar aggregate classification (germline): Likely pathogenic (1 of 4 stars; one submission).

Conditions:
Kostmann syndrome (SCN3). Also called: Autosomal recessive severe congenital neutropenia type 3; KOSTMANN DISEASE. Identifiers: Orphanet 99749, MedGen C5235141, MONDO:0012548, OMIM 610738.

Submission:

Natera, Inc.
Classification: Likely pathogenic for Autosomal recessive severe congenital neutropenia type 3. Last evaluated: 2025-03-24. Review status: criteria provided, single submitter. Criteria: Natera Variant Classification Schema (03/2026). Collection method: clinical testing. Allele origin: germline.
Comment: The c.676dup variant in HAX1 is a frameshift variant predicted to shift the reading frame beginning at codon 226 and leads to a stop codon 8 codons downstream. This variant is expected to result in nonsense mediated decay, truncation, or a dysfunctional protein product. This variant is rare in the general population with a frequency below the threshold expected for the associated phenotype(s). Given the available evidence, this variant is classified as Likely Pathogenic.

NM_006118.4(HAX1):c.676dup (p.Arg226fs)

Gene: HAX1 (HCLS1 associated protein X-1; plus strand). Cytogenetic location: 1q21.3.
Variant type: Duplication.
Coding change: c.676dup on transcript NM_006118.4 (MANE Select); coding-DNA position 676, one base duplicated (C; older notation c.676dupC).
Protein change: p.Arg226fs; shifts the reading frame from arginine 226.
Molecular consequence: frameshift variant.
Genome position (GRCh38, 1-based): chr1:154,275,405, C duplicated. VCF-style (leftmost placement, unchanged base first): chr1-154275404-G-GC. GRCh37 (hg19) VCF-style: chr1-154247880-G-GC.
Other names: c.532dup, p.Arg178fs (NM_001018837.2); short protein forms R178fs, R226fs.
Identifiers: ClinVar variation 4069032 (VCV004069032.2).
Genomic context (GRCh38, chr1:154,275,404, plus strand): 5'-GCATAACCTTTAGTAACATTCGGAATATGGTGGGGACTTCTCTTTGTAGATAGTGGAGGA[G>GC]CGCCGGACTGTGGTGGACAGTGAGGGCCGGACAGAGACTACAGTAACCCGACACGAAGCA-3'